The following is an entry in ClinVar:

ClinVar aggregate classification (germline): Uncertain significance (1 of 4 stars; one submission).

Conditions:
Hereditary cancer-predisposing syndrome. Also called: Hereditary Cancer Syndrome; Neoplastic Syndromes, Hereditary; Tumor predisposition; Hereditary neoplastic syndrome. Identifiers: Orphanet 140162, MedGen C0027672, MeSH D009386, MONDO:0015356.

Submission:

Ambry Genetics
Classification: Uncertain significance for Hereditary cancer-predisposing syndrome. Last evaluated: 2026-08-04. Review status: criteria provided, single submitter. Criteria: Ambry Variant Classification Scheme 2023. Collection method: clinical testing. Allele origin: germline.
Comment: The p.L347Q variant (also known as c.1040T>A), located in coding exon 6 of the CTNNA1 gene, results from a T to A substitution at nucleotide position 1040. The leucine at codon 347 is replaced by glutamine, an amino acid with dissimilar properties. This amino acid position is highly conserved in available vertebrate species. In addition, this alteration is predicted to be deleterious by in silico analysis. Based on the available evidence, the clinical significance of this variant remains unclear.

NM_001903.5(CTNNA1):c.1040T>A (p.Leu347Gln)

Gene: CTNNA1 (catenin alpha 1; plus strand). Cytogenetic location: 5q31.2.
Variant type: single nucleotide variant.
Coding change: c.1040T>A on transcript NM_001903.5 (MANE Select); coding-DNA position 1040, T replaced by A.
Protein change: p.Leu347Gln; replaces leucine 347 with glutamine.
Molecular consequence: missense variant.
Genome position (GRCh38, 1-based): chr5:138,827,696, T>A. VCF-style: chr5-138827696-T-A. GRCh37 (hg19) VCF-style: chr5-138163385-T-A.
Other names: c.1040T>A, p.Leu347Gln (NM_001323985.2, NM_001323986.2, NM_001290307.3 and 3 more transcripts); c.731T>A, p.Leu244Gln (NM_001290309.3); c.671T>A, p.Leu224Gln (NM_001290310.3); short protein forms L224Q, L244Q, L347Q.
Identifiers: ClinVar variation 5034986 (VCV005034986.1).